The following is an entry in ClinVar:

NM_000939.4(POMC):c.398G>A (p.Arg133His)

Gene: POMC (proopiomelanocortin; minus strand). Cytogenetic location: 2p23.3.
Variant type: single nucleotide variant.
Coding change: c.398G>A on transcript NM_000939.4 (MANE Select); coding-DNA position 398, G replaced by A.
Protein change: p.Arg133His; replaces arginine 133 with histidine.
Molecular consequence: missense variant.
Genome position (GRCh38, 1-based): chr2:25,161,487, C>T on the plus strand (G>A on the coding strand, the complement: POMC is on the minus strand). VCF-style: chr2-25161487-C-T. GRCh37 (hg19) VCF-style: chr2-25384356-C-T.
Other names: c.398G>A, p.Arg133His (NM_001035256.3, NM_001319204.2, NM_001319205.2); short protein forms R133H.
Identifiers: ClinVar variation 4992016 (VCV004992016.1).
Genomic context (GRCh38, chr2:25,161,487, plus strand): 5'-TTCTTGCCCACCGGCTTGCCCCAGCGGAAGTGCTCCATGGAGTAGGAGCGCTTGCCCTCG[C>T]GCGGGCCCGGCTTGGCACCATCGCTGCGGGGCTCGGGGCCGCCCTCAGGCAGCGGGCCGC-3'
Protein context (NP_000930.1, residues 123-143): PRSDGAKPGP[Arg133His]EGKRSYSMEH

ClinVar aggregate classification (germline): Uncertain significance (1 of 4 stars; one submission).

Conditions:
POMC-related disorder. Also called: POMC-related disorders; POMC-related condition.

gnomAD v4.1: 2 of 1,606,330 alleles (0.00012%); highest among the groups gnomAD compares: South Asian, 0.0011%; no homozygotes.

Submission:

PreventionGenetics, part of Exact Sciences
Classification: Uncertain significance for POMC-related condition. Last evaluated: 2026-04-06. Review status: criteria provided, single submitter. Criteria: ACMG Guidelines, 2015. Collection method: clinical testing. Allele origin: germline.
Comment: The POMC c.398G>A variant is predicted to result in the amino acid substitution p.Arg133His. To our knowledge, this variant has not been reported in the literature. This variant is reported in 0.0034% of alleles in individuals of South Asian descent in gnomAD. At this time, the clinical significance of this variant is uncertain due to the absence of conclusive functional and genetic evidence.